The following is an entry in ClinVar:

ClinVar aggregate classification (germline): Uncertain significance (1 of 4 stars; one submission).

Conditions:
Lymphoproliferative syndrome 1 (LPFS1). Identifiers: Orphanet 238505, Orphanet 538963, MedGen C3552634, MONDO:0013081, OMIM 613011.

Allele frequency attached by ClinVar (database versions not stated): gnomAD exomes 0.00001 and 0.00002; ExAC 0.00002; TOPMed 0.00002; gnomAD 0.00004 and 0.00005.
gnomAD v4.1: 25 of 1,611,606 alleles (0.0016%); highest among the groups gnomAD compares: South Asian, 0.0055%; no homozygotes.

Submission:

Labcorp Genetics (formerly Invitae), Labcorp
Classification: Uncertain significance for Lymphoproliferative syndrome 1. Last evaluated: 2023-08-24. Review status: criteria provided, single submitter. Criteria: Invitae Variant Classification Sherloc (09022015). Collection method: clinical testing. Allele origin: germline.
Comment: In summary, the available evidence is currently insufficient to determine the role of this variant in disease. Therefore, it has been classified as a Variant of Uncertain Significance. Advanced modeling of protein sequence and biophysical properties (such as structural, functional, and spatial information, amino acid conservation, physicochemical variation, residue mobility, and thermodynamic stability) performed at Invitae indicates that this missense variant is not expected to disrupt ITK protein function. ClinVar contains an entry for this variant (Variation ID: 942730). This variant has not been reported in the literature in individuals affected with ITK-related conditions. This variant is present in population databases (rs778357395, gnomAD 0.01%). This sequence change replaces threonine, which is neutral and polar, with methionine, which is neutral and non-polar, at codon 110 of the ITK protein (p.Thr110Met).

NM_005546.4(ITK):c.329C>T (p.Thr110Met)

Gene: ITK (IL2 inducible T cell kinase; plus strand). Cytogenetic location: 5q33.3.
Variant type: single nucleotide variant.
Coding change: c.329C>T on transcript NM_005546.4 (MANE Select); coding-DNA position 329, C replaced by T.
Protein change: p.Thr110Met; replaces threonine 110 with methionine.
Molecular consequence: missense variant.
Genome position (GRCh38, 1-based): chr5:157,214,194, C>T. VCF-style: chr5-157214194-C-T. GRCh37 (hg19) VCF-style: chr5-156641205-C-T.
Other names: short protein forms T110M.
Identifiers: ClinVar variation 942730 (VCV000942730.7), dbSNP rs778357395, ClinGen allele CA3532729.
Genomic context (GRCh38, chr5:157,214,194, plus strand): 5'-TAGCCCTTGATAGACTGACCTGGAAATAACTCTTCTGTTGGTGCCAACCTGTTTCAGAAA[C>T]GAGGAATAATAACAGTTTGGTGCCTAAATATCATCCTAATTTCTGGATGGATGGGAAGTG-3'
Protein context (NP_005537.3, residues 100-120): QRWVLALKEE[Thr110Met]RNNNSLVPKY